The following is an entry in ClinVar:

ClinVar aggregate classification (germline): Likely pathogenic (1 of 4 stars; one submission).

Conditions:
Miyoshi muscular dystrophy 1 (MMD1). Identifiers: Orphanet 45448, MedGen C4551973, MONDO:0024545, OMIM 254130.

Submission:

Foundation for Research in Genetics and Endocrinology, FRIGE's Institute of Human Genetics
Classification: Likely pathogenic for Miyoshi muscular dystrophy 1. Last evaluated: 2025-11-04. Review status: criteria provided, single submitter. Criteria: ACMG Guidelines, 2015. Collection method: clinical testing. Allele origin: germline. Inheritance: Autosomal recessive inheritance. Affected: yes. Observed: 1 homozygote.
Comment: A homozygous 14 base pair deletion in exon 14 of the DYSF gene that results in a frameshift and premature truncation of the protein 47 amino acids downstream to codon 454 (p.Val454GlufsTer47) was detected. The observed variant has not been reported in the 1000 genomes, gnomAD (v3.1), gnomAD (v2.1) and topmed databases. The reference region is conserved across species. In summary, the variant meets our criteria to be classified as likely pathogenic.

NM_001130987.2(DYSF):c.1361_1374del (p.Val454fs)

Gene: DYSF (dysferlin; plus strand). Cytogenetic location: 2p13.2.
Variant type: Deletion.
Coding change: c.1361_1374del on transcript NM_001130987.2 (MANE Select); coding-DNA positions 1361 to 1374, 14 bases deleted (TCAGCTTTGCGGGG).
Protein change: p.Val454fs; shifts the reading frame from valine 454.
Molecular consequence: frameshift variant.
Genome position (GRCh38, 1-based): chr2:71,528,382-71,528,395, TCAGCTTTGCGGGG deleted; deleting any 14 consecutive bases within chr2:71,528,380-71,528,395 gives the same sequence; the c. name uses the placement nearest the transcript's 3' end. VCF-style (leftmost placement, unchanged base first): chr2-71528379-AGGTCAGCTTTGCGG-A. GRCh37 (hg19) VCF-style: chr2-71755509-AGGTCAGCTTTGCGG-A.
Other names: c.1268_1281del, p.Val423fs (NM_001130455.2, NM_001130983.2, NM_001130984.2 and 1 more transcripts); c.1265_1278del, p.Val422fs (NM_001130976.2, NM_001130977.2, NM_001130978.2 and 1 more transcripts); c.1358_1371del, p.Val453fs (NM_001130979.2, NM_001130980.2, NM_001130981.2); c.1361_1374del, p.Val454fs (NM_001130982.2, NM_001130985.2); short protein forms V422fs, V423fs, V453fs, V454fs.
Identifiers: ClinVar variation 4532246 (VCV004532246.1).